The following is an entry in ClinVar:

ClinVar aggregate classification (germline): Uncertain significance (1 of 4 stars; one submission).

Conditions:
Brugada syndrome. Also called: Sudden unexpected nocturnal death syndrome; Sudden Unexplained Death Syndrome; Sudden Unexplained Nocturnal Death Syndrome (SUNDS); Sudden unexplained nocturnal death syndrome. Identifiers: Orphanet 130, MedGen C1142166, MONDO:0015263.

Allele frequency attached by ClinVar (database versions not stated): TOPMed below 0.00001; ExAC 0.00001.
gnomAD v4.1: 5 of 1,606,110 alleles (0.00031%); highest among the groups gnomAD compares: South Asian, 0.0022%; no homozygotes.

Submission:

Labcorp Genetics (formerly Invitae), Labcorp
Classification: Uncertain significance for Brugada syndrome. Last evaluated: 2024-04-29. Review status: criteria provided, single submitter. Criteria: Invitae Variant Classification Sherloc (09022015). Collection method: clinical testing. Allele origin: germline.
Comment: This sequence change replaces valine, which is neutral and non-polar, with methionine, which is neutral and non-polar, at codon 289 of the CACNA2D1 protein (p.Val289Met). The frequency data for this variant in the population databases is considered unreliable, as metrics indicate poor data quality at this position in the gnomAD database. This variant has not been reported in the literature in individuals affected with CACNA2D1-related conditions. An algorithm developed to predict the effect of missense changes on protein structure and function (PolyPhen-2) suggests that this variant is likely to be disruptive. In summary, the available evidence is currently insufficient to determine the role of this variant in disease. Therefore, it has been classified as a Variant of Uncertain Significance.

NM_000722.4(CACNA2D1):c.865G>A (p.Val289Met)

Gene: CACNA2D1 (calcium voltage-gated channel auxiliary subunit alpha2delta 1; minus strand). Cytogenetic location: 7q21.11.
Variant type: single nucleotide variant.
Coding change: c.865G>A on transcript NM_000722.4 (MANE Select); coding-DNA position 865, G replaced by A.
Protein change: p.Val289Met; replaces valine 289 with methionine.
Molecular consequence: missense variant.
Genome position (GRCh38, 1-based): chr7:82,060,442, C>T on the plus strand (G>A on the coding strand, the complement: CACNA2D1 is on the minus strand). VCF-style: chr7-82060442-C-T. GRCh37 (hg19) VCF-style: chr7-81689758-C-T.
Other names: c.865G>A, p.Val289Met (NM_001302890.2, NM_001366867.1); short protein forms V289M.
Identifiers: ClinVar variation 2955560 (VCV002955560.3), dbSNP rs759152665, ClinGen allele CA4318209.